The following is an entry in ClinVar:

ClinVar aggregate classification (germline): Uncertain significance (1 of 4 stars; one submission).

Submission:

Labcorp Genetics (formerly Invitae), Labcorp
Classification: Uncertain significance. Last evaluated: 2024-07-12. Review status: criteria provided, single submitter. Criteria: Invitae Variant Classification Sherloc (09022015). Collection method: clinical testing. Allele origin: germline.
Comment: This sequence change falls in intron 8 of the DSG1 gene. It does not directly change the encoded amino acid sequence of the DSG1 protein. This variant is not present in population databases (gnomAD no frequency). This variant has not been reported in the literature in individuals affected with DSG1-related conditions. Algorithms developed to predict the effect of sequence changes on RNA splicing suggest that this variant may disrupt the consensus splice site. In summary, the available evidence is currently insufficient to determine the role of this variant in disease. Therefore, it has been classified as a Variant of Uncertain Significance.

NM_001942.4(DSG1):c.1006-12T>A

Gene: DSG1 (desmoglein 1; plus strand). Cytogenetic location: 18q12.1.
Variant type: single nucleotide variant.
Coding change: c.1006-12T>A on transcript NM_001942.4 (MANE Select); 12 bases into the intron before coding-DNA position 1006, T replaced by A.
Molecular consequence: intron variant.
Genome position (GRCh38, 1-based): chr18:31,336,342, T>A. VCF-style: chr18-31336342-T-A. GRCh37 (hg19) VCF-style: chr18-28916305-T-A.
Identifiers: ClinVar variation 3659403 (VCV003659403.2).